The following is an entry in ClinVar:

ClinVar aggregate classification (germline): Uncertain significance (1 of 4 stars; one submission).

Submission:

GeneDx
Classification: Uncertain significance. Last evaluated: 2025-08-04. Review status: criteria provided, single submitter. Criteria: GeneDx Variant Classification Process June 2021. Collection method: clinical testing. Allele origin: germline. Affected: yes.
Comment: Not observed at significant frequency in large population cohorts (gnomAD); In silico analysis supports that this missense variant has a deleterious effect on protein structure/function; Has not been previously published as pathogenic or benign to our knowledge

NM_004789.4(LHX2):c.302A>G (p.Tyr101Cys)

Gene: LHX2 (LIM homeobox 2; plus strand). Cytogenetic location: 9q33.3.
Variant type: single nucleotide variant.
Coding change: c.302A>G on transcript NM_004789.4 (MANE Select); coding-DNA position 302, A replaced by G.
Protein change: p.Tyr101Cys; replaces tyrosine 101 with cysteine.
Molecular consequence: missense variant.
Genome position (GRCh38, 1-based): chr9:124,014,142, A>G. VCF-style: chr9-124014142-A-G. GRCh37 (hg19) VCF-style: chr9-126776421-A-G.
Other names: short protein forms Y101C.
Identifiers: ClinVar variation 4755942 (VCV004755942.1).